The following is an entry in ClinVar:

ClinVar aggregate classification (germline): Uncertain significance (1 of 4 stars; one submission).

Conditions:
Breast-ovarian cancer, familial, susceptibility to, 4. Identifiers: Orphanet 145, MedGen C3280345, MONDO:0013669, OMIM 614291.

Submission:

Labcorp Genetics (formerly Invitae), Labcorp
Classification: Uncertain significance for Breast-ovarian cancer, familial, susceptibility to, 4. Last evaluated: 2021-07-14. Review status: criteria provided, single submitter. Criteria: Invitae Variant Classification Sherloc (09022015). Collection method: clinical testing. Allele origin: germline.
Comment: This variant is not present in population databases (ExAC no frequency). This sequence change replaces leucine with proline at codon 53 of the RAD51D protein (p.Leu53Pro). The leucine residue is moderately conserved and there is a moderate physicochemical difference between leucine and proline. In summary, the available evidence is currently insufficient to determine the role of this variant in disease. Therefore, it has been classified as a Variant of Uncertain Significance. Algorithms developed to predict the effect of missense changes on protein structure and function are either unavailable or do not agree on the potential impact of this missense change (SIFT: "Deleterious"; PolyPhen-2: "Benign"; Align-GVGD: "Class C25"). This variant has not been reported in the literature in individuals with RAD51D-related conditions.

NM_002878.4(RAD51D):c.158T>C (p.Leu53Pro)

Genes: RAD51D (RAD51 paralog D; minus strand), RAD51L3-RFFL (RAD51L3-RFFL readthrough; minus strand). Cytogenetic location: 17q12.
Variant type: single nucleotide variant.
Coding change: c.158T>C on transcript NM_002878.4 (MANE Select); coding-DNA position 158, T replaced by C.
Protein change: p.Leu53Pro; replaces leucine 53 with proline.
Molecular consequence: missense variant. On other transcripts: intron variant (2).
Genome position (GRCh38, 1-based): chr17:35,118,606, A>G on the plus strand (T>C on the coding strand, the complement: RAD51D is on the minus strand). VCF-style: chr17-35118606-A-G. GRCh37 (hg19) VCF-style: chr17-33445625-A-G.
Other names: c.144+505T>C (NM_133629.3, NM_001142571.2); short protein forms L53P.
Identifiers: ClinVar variation 1508112 (VCV001508112.8), dbSNP rs2142474761, ClinGen allele CA399091584.